The following is an entry in ClinVar:

ClinVar aggregate classification (germline): Uncertain significance (1 of 4 stars; one submission).

Conditions:
Cardiovascular phenotype. Identifiers: MedGen CN230736.

Submission:

Ambry Genetics
Classification: Uncertain significance for Cardiovascular phenotype. Last evaluated: 2022-08-03. Review status: criteria provided, single submitter. Criteria: Ambry Variant Classification Scheme 2023. Collection method: clinical testing. Allele origin: germline.
Comment: The p.Q1072E variant (also known as c.3214C>G), located in coding exon 17 of the SCN10A gene, results from a C to G substitution at nucleotide position 3214. The glutamine at codon 1072 is replaced by glutamic acid, an amino acid with highly similar properties. This amino acid position is conserved. In addition, this alteration is predicted to be tolerated by in silico analysis. Since supporting evidence is limited at this time, the clinical significance of this alteration remains unclear.

NM_006514.4(SCN10A):c.3214C>G (p.Gln1072Glu)

Genes: SCN10A (sodium voltage-gated channel alpha subunit 10; minus strand), LOC110121288 (VISTA enhancer hs2268; plus strand). Cytogenetic location: 3p22.2.
Variant type: single nucleotide variant.
Coding change: c.3214C>G on transcript NM_006514.4 (MANE Select); coding-DNA position 3214, C replaced by G.
Protein change: p.Gln1072Glu; replaces glutamine 1072 with glutamic acid.
Molecular consequence: missense variant.
Genome position (GRCh38, 1-based): chr3:38,725,188, G>C on the plus strand (C>G on the coding strand, the complement: SCN10A is on the minus strand). VCF-style: chr3-38725188-G-C. GRCh37 (hg19) VCF-style: chr3-38766679-G-C.
Other names: c.3211C>G, p.Gln1071Glu (NM_001293306.2); c.2920C>G, p.Gln974Glu (NM_001293307.2); short protein forms Q1072E, Q974E, Q1071E.
Identifiers: ClinVar variation 1728971 (VCV001728971.2), dbSNP rs1458693100, ClinGen allele CA352156602.